The following is an entry in ClinVar:

NM_138694.4(PKHD1):c.7976C>T (p.Pro2659Leu)

Gene: PKHD1 (PKHD1 ciliary IPT domain containing fibrocystin/polyductin; minus strand). Cytogenetic location: 6p12.2.
Variant type: single nucleotide variant.
Coding change: c.7976C>T on transcript NM_138694.4 (MANE Select); coding-DNA position 7976, C replaced by T.
Protein change: p.Pro2659Leu; replaces proline 2659 with leucine.
Molecular consequence: missense variant.
Genome position (GRCh38, 1-based): chr6:51,847,906, G>A on the plus strand (C>T on the coding strand, the complement: PKHD1 is on the minus strand). VCF-style: chr6-51847906-G-A. GRCh37 (hg19) VCF-style: chr6-51712704-G-A.
Other names: c.7976C>T (NM_138694.3); c.7976C>T, p.Pro2659Leu (NM_170724.3); short protein forms P2659L.
Identifiers: ClinVar variation 1333527 (VCV001333527.4), dbSNP rs776654447, ClinGen allele CA3851777.

ClinVar aggregate classification (germline): Uncertain significance. Review status: criteria provided, multiple submitters, no conflicts (2 of 4 stars). 4 submissions from 4 submitters: Uncertain significance (4). Last evaluated 2026-06-23.

Conditions:
Polycystic kidney disease 4 (PKD4). Also called: POLYCYSTIC KIDNEY AND HEPATIC DISEASE 1; POLYCYSTIC KIDNEY DISEASE, INFANTILE, TYPE I; POLYCYSTIC KIDNEY DISEASE 4 WITH OR WITHOUT POLYCYSTIC LIVER DISEASE; PKD3; Autosomal Recessive Polycystic Kidney Disease – PKHD1. Identifiers: MedGen C4540575, MONDO:0033004, OMIM 263200.
PKHD1-related disorder. Also called: PKHD1-related condition.
Inborn genetic diseases. Identifiers: MedGen C0950123, MeSH D030342.

Allele frequency attached by ClinVar (database versions not stated): ExAC 0.00001; gnomAD exomes 0.00001; TOPMed 0.00002.
gnomAD v4.1: 18 of 1,613,832 alleles (0.0011%); highest among the groups gnomAD compares: Middle Eastern, 0.017%; no homozygotes.

Submissions (4):

PreventionGenetics, part of Exact Sciences
Classification: Uncertain significance for PKHD1-related condition. Last evaluated: 2026-06-23. Review status: criteria provided, single submitter. Criteria: ACMG Guidelines, 2015. Collection method: clinical testing. Allele origin: germline.
Comment: The PKHD1 c.7976C>T variant is predicted to result in the amino acid substitution p.Pro2659Leu. To our knowledge, this variant has not been reported in the literature. This variant is reported in 0.0026% of alleles in individuals of European (Non-Finnish) descent in gnomAD. At this time, the clinical significance of this variant is uncertain due to the absence of conclusive functional and genetic evidence.

Ambry Genetics
Classification: Uncertain significance for Inborn genetic diseases. Last evaluated: 2024-11-10. Review status: criteria provided, single submitter. Criteria: Ambry Variant Classification Scheme 2023. Collection method: clinical testing. Allele origin: germline.

3billion
Classification: Uncertain significance for Polycystic kidney disease 4. Last evaluated: 2022-01-03. Review status: criteria provided, single submitter. Criteria: ACMG Guidelines, 2015. Collection method: clinical testing. Allele origin: germline. Affected: yes. Observed: 1 heterozygote.
Comment: The variant is observed at an extremely low frequency in the gnomAD v2.1.1 dataset (total allele frequency: 0.000012, PM2_M). Therefore, this variant is classified as uncertain significance according to the recommendation of ACMG/AMP guideline.

Fulgent Genetics
Classification: Uncertain significance for Polycystic kidney disease 4. Last evaluated: 2021-07-16. Review status: criteria provided, single submitter. Criteria: ACMG Guidelines, 2015. Collection method: clinical testing. Allele origin: unknown.